The following is an entry in ClinVar:

ClinVar aggregate classification (germline): Uncertain significance (1 of 4 stars; one submission).

Conditions:
Cardiovascular phenotype. Identifiers: MedGen CN230736.

Submission:

Ambry Genetics
Classification: Uncertain significance for Cardiovascular phenotype. Last evaluated: 2021-08-07. Review status: criteria provided, single submitter. Criteria: Ambry Variant Classification Scheme 2023. Collection method: clinical testing. Allele origin: germline.
Comment: The p.I2198V variant (also known as c.6592A>G), located in coding exon 28 of the AKAP9 gene, results from an A to G substitution at nucleotide position 6592. The isoleucine at codon 2198 is replaced by valine, an amino acid with highly similar properties. This amino acid position is conserved. In addition, this alteration is predicted to be tolerated by in silico analysis. Since supporting evidence is limited at this time, the clinical significance of this alteration remains unclear.

NM_005751.5(AKAP9):c.6592A>G (p.Ile2198Val)

Gene: AKAP9 (A-kinase anchoring protein 9; plus strand). Cytogenetic location: 7q21.2.
Variant type: single nucleotide variant.
Coding change: c.6592A>G on transcript NM_005751.5 (MANE Select); coding-DNA position 6592, A replaced by G.
Protein change: p.Ile2198Val; replaces isoleucine 2198 with valine.
Molecular consequence: missense variant.
Genome position (GRCh38, 1-based): chr7:92,070,989, A>G. VCF-style: chr7-92070989-A-G. GRCh37 (hg19) VCF-style: chr7-91700303-A-G.
Other names: c.1237A>G, p.Ile413Val (NM_001379277.1); c.6568A>G, p.Ile2190Val (NM_147185.3); short protein forms I413V, I2190V, I2198V.
Identifiers: ClinVar variation 1754364 (VCV001754364.2), dbSNP rs2535221758, ClinGen allele CA368134547.